The following is an entry in ClinVar:

ClinVar aggregate classification (germline): Uncertain significance. Review status: criteria provided, multiple submitters, no conflicts (2 of 4 stars). 2 submissions from 2 submitters: Uncertain significance (2). Last evaluated 2023-06-09.

Conditions:
Hereditary cancer-predisposing syndrome. Also called: Neoplastic Syndromes, Hereditary; Tumor predisposition; Hereditary neoplastic syndrome; Hereditary Cancer Syndrome. Identifiers: Orphanet 140162, MedGen C0027672, MeSH D009386, MONDO:0015356.
Hereditary diffuse gastric adenocarcinoma (HDGC). Also called: DIFFUSE GASTRIC AND LOBULAR BREAST CANCER SYNDROME. Identifiers: Orphanet 26106, MedGen C1708349, MONDO:0007648, OMIM 137215.

Submissions (2):

Ambry Genetics
Classification: Uncertain significance for Hereditary cancer-predisposing syndrome. Last evaluated: 2023-06-09. Review status: criteria provided, single submitter. Criteria: Ambry Variant Classification Scheme 2023. Collection method: clinical testing. Allele origin: germline.
Comment: The p.A634E variant (also known as c.1901C>A), located in coding exon 12 of the CDH1 gene, results from a C to A substitution at nucleotide position 1901. The alanine at codon 634 is replaced by glutamic acid, an amino acid with dissimilar properties. This amino acid position is well conserved in available vertebrate species. In addition, this alteration is predicted to be tolerated by in silico analysis. Since supporting evidence is limited at this time, the clinical significance of this alteration remains unclear.

Labcorp Genetics (formerly Invitae), Labcorp
Classification: Uncertain significance for Hereditary diffuse gastric adenocarcinoma. Last evaluated: 2022-04-19. Review status: criteria provided, single submitter. Criteria: Invitae Variant Classification Sherloc (09022015). Collection method: clinical testing. Allele origin: germline.
Comment: In summary, the available evidence is currently insufficient to determine the role of this variant in disease. Therefore, it has been classified as a Variant of Uncertain Significance. Algorithms developed to predict the effect of missense changes on protein structure and function are either unavailable or do not agree on the potential impact of this missense change (SIFT: "Deleterious"; PolyPhen-2: "Possibly Damaging"; Align-GVGD: "Class C0"). This variant has not been reported in the literature in individuals affected with CDH1-related conditions. This variant is not present in population databases (gnomAD no frequency). This sequence change replaces alanine, which is neutral and non-polar, with glutamic acid, which is acidic and polar, at codon 634 of the CDH1 protein (p.Ala634Glu).

NM_004360.5(CDH1):c.1901C>A (p.Ala634Glu)

Gene: CDH1 (cadherin 1; plus strand). Cytogenetic location: 16q22.1.
Variant type: single nucleotide variant.
Coding change: c.1901C>A on transcript NM_004360.5 (MANE Select); coding-DNA position 1901, C replaced by A.
Protein change: p.Ala634Glu; replaces alanine 634 with glutamic acid.
Molecular consequence: missense variant. On other transcripts: 5 prime UTR variant (1).
Genome position (GRCh38, 1-based): chr16:68,822,190, C>A. VCF-style: chr16-68822190-C-A. GRCh37 (hg19) VCF-style: chr16-68856093-C-A.
Other names: c.1718C>A, p.Ala573Glu (NM_001317184.2); c.353C>A, p.Ala118Glu (NM_001317185.2); c.-65C>A (NM_001317186.2); short protein forms A118E, A573E, A634E.
Identifiers: ClinVar variation 1925450 (VCV001925450.7), dbSNP rs121964878, ClinGen allele CA396467183.